The following is an entry in ClinVar:

ClinVar aggregate classification (germline): Uncertain significance (1 of 4 stars; one submission).

gnomAD v4.1: 4 of 1,609,142 alleles (0.00025%); highest among the groups gnomAD compares: Middle Eastern, 0.017%; no homozygotes.

Submission:

Ambry Genetics
Classification: Uncertain significance. Last evaluated: 2022-06-14. Review status: criteria provided, single submitter. Criteria: Ambry Variant Classification Scheme 2023. Collection method: clinical testing. Allele origin: germline.
Comment: The p.Q505P variant (also known as c.1514A>C), located in coding exon 13 of the BUB1 gene, results from an A to C substitution at nucleotide position 1514. The glutamine at codon 505 is replaced by proline, an amino acid with similar properties. This amino acid position is conserved. In addition, this alteration is predicted to be tolerated by in silico analysis. Since supporting evidence is limited at this time, the clinical significance of this alteration remains unclear.

NM_004336.5(BUB1):c.1514A>C (p.Gln505Pro)

Gene: BUB1 (BUB1 mitotic checkpoint serine/threonine kinase; minus strand). Cytogenetic location: 2q13.
Variant type: single nucleotide variant.
Coding change: c.1514A>C on transcript NM_004336.5 (MANE Select); coding-DNA position 1514, A replaced by C.
Protein change: p.Gln505Pro; replaces glutamine 505 with proline.
Molecular consequence: missense variant.
Genome position (GRCh38, 1-based): chr2:110,658,412, T>G on the plus strand (A>C on the coding strand, the complement: BUB1 is on the minus strand). VCF-style: chr2-110658412-T-G. GRCh37 (hg19) VCF-style: chr2-111415989-T-G.
Other names: c.1454A>C, p.Gln485Pro (NM_001278616.2); c.1514A>C, p.Gln505Pro (NM_001278617.2); short protein forms Q505P, Q485P.
Identifiers: ClinVar variation 1774277 (VCV001774277.2), dbSNP rs748870220, ClinGen allele CA348212239.